The following is an entry in ClinVar:

ClinVar aggregate classification (germline): Uncertain significance. Review status: criteria provided, multiple submitters, no conflicts (2 of 4 stars). 2 submissions from 2 submitters: Uncertain significance (2). Last evaluated 2026-06-26.

Conditions:
GRIN2A-related complex neurodevelopmental disorder. Also called: GRIN2A-related condition; GRIN2A-related disorder. Identifiers: MedGen CN379781, MONDO:1060139.
Landau-Kleffner syndrome (FESD). Also called: EPILEPSY, FOCAL, WITH SPEECH DISORDER AND WITH OR WITHOUT MENTAL RETARDATION; APHASIA, ACQUIRED, WITH EPILEPSY. Identifiers: Orphanet 1945, Orphanet 725, Orphanet 98818, MedGen C0282512, MONDO:0009509, OMIM 245570.

Submissions (2):

PreventionGenetics, part of Exact Sciences
Classification: Uncertain significance for GRIN2A-related condition. Last evaluated: 2026-06-26. Review status: criteria provided, single submitter. Criteria: ACMG Guidelines, 2015. Collection method: clinical testing. Allele origin: germline.
Comment: The GRIN2A c.2567G>C variant is predicted to result in the amino acid substitution p.Arg856Pro. To our knowledge, this variant has not been reported in the literature or in a large population database (gnomAD), indicating this variant is rare. At this time, the clinical significance of this variant is uncertain due to the absence of conclusive functional and genetic evidence.

Labcorp Genetics (formerly Invitae), Labcorp
Classification: Uncertain significance for Landau-Kleffner syndrome. Last evaluated: 2024-04-27. Review status: criteria provided, single submitter. Criteria: Invitae Variant Classification Sherloc (09022015). Collection method: clinical testing. Allele origin: germline.
Comment: This sequence change replaces arginine, which is basic and polar, with proline, which is neutral and non-polar, at codon 856 of the GRIN2A protein (p.Arg856Pro). This variant is not present in population databases (gnomAD no frequency). This variant has not been reported in the literature in individuals affected with GRIN2A-related conditions. Advanced modeling of protein sequence and biophysical properties (such as structural, functional, and spatial information, amino acid conservation, physicochemical variation, residue mobility, and thermodynamic stability) has been performed at Invitae for this missense variant, however the output from this modeling did not meet the statistical confidence thresholds required to predict the impact of this variant on GRIN2A protein function. In summary, the available evidence is currently insufficient to determine the role of this variant in disease. Therefore, it has been classified as a Variant of Uncertain Significance.

NM_001134407.3(GRIN2A):c.2567G>C (p.Arg856Pro)

Gene: GRIN2A (glutamate ionotropic receptor NMDA type subunit 2A; minus strand). Cytogenetic location: 16p13.2.
Variant type: single nucleotide variant.
Coding change: c.2567G>C on transcript NM_001134407.3 (MANE Select); coding-DNA position 2567, G replaced by C.
Protein change: p.Arg856Pro; replaces arginine 856 with proline.
Molecular consequence: missense variant.
Genome position (GRCh38, 1-based): chr16:9,768,879, C>G on the plus strand (G>C on the coding strand, the complement: GRIN2A is on the minus strand). VCF-style: chr16-9768879-C-G. GRCh37 (hg19) VCF-style: chr16-9862736-C-G.
Other names: c.2567G>C, p.Arg856Pro (NM_000833.5, NM_001134408.2); c.2567G>C (NM_000833.4); short protein forms R856P.
Identifiers: ClinVar variation 3651325 (VCV003651325.3).
Genomic context (GRCh38, chr16:9,768,879, plus strand): 5'-AGTGCAAGAAAGTAGCCACCCGGTGTACTGACCCTGCTGATGGAGAAGAGCAACCCAGGC[C>G]GGTCGGAGCACACGCCCGTGAAACAGAAGCGCAGCTTCCAGTAGAAGAGGTGCTCCCAGA-3'
Protein context (NP_001127879.1, residues 846-866): RFCFTGVCSD[Arg856Pro]PGLLFSISRG